The following is an entry in ClinVar:

NM_006147.4(IRF6):c.301A>G (p.Lys101Glu)

Gene: IRF6 (interferon regulatory factor 6; minus strand). Cytogenetic location: 1q32.2.
Variant type: single nucleotide variant.
Coding change: c.301A>G on transcript NM_006147.4 (MANE Select); coding-DNA position 301, A replaced by G.
Protein change: p.Lys101Glu; replaces lysine 101 with glutamic acid.
Molecular consequence: missense variant.
Genome position (GRCh38, 1-based): chr1:209,796,426, T>C on the plus strand (A>G on the coding strand, the complement: IRF6 is on the minus strand). VCF-style: chr1-209796426-T-C. GRCh37 (hg19) VCF-style: chr1-209969771-T-C.
Other names: c.16A>G, p.Lys6Glu (NM_001206696.2); short protein forms K101E, K6E.
Identifiers: ClinVar variation 2947280 (VCV002947280.3), dbSNP rs2464683521, ClinGen allele CA344583057.

ClinVar aggregate classification (germline): Uncertain significance (1 of 4 stars; one submission).

Conditions:
Popliteal pterygium syndrome (PPS). Identifiers: Orphanet 294963, MedGen C0265259, MONDO:0017435.
Van der Woude syndrome. Identifiers: Orphanet 888, MedGen C0175697, MONDO:0019508.
Orofacial cleft 6, susceptibility to (OFC6). Also called: CLEFT LIP WITH OR WITHOUT CLEFT PALATE, NONSYNDROMIC, 6. Identifiers: MedGen C1837213, MONDO:0012141, OMIM 608864.

Submission:

Labcorp Genetics (formerly Invitae), Labcorp
Classification: Uncertain significance for Orofacial cleft 6, susceptibility to; Van der Woude syndrome; Popliteal pterygium syndrome. Last evaluated: 2023-04-28. Review status: criteria provided, single submitter. Criteria: Invitae Variant Classification Sherloc (09022015). Collection method: clinical testing. Allele origin: germline.
Comment: In summary, the available evidence is currently insufficient to determine the role of this variant in disease. Therefore, it has been classified as a Variant of Uncertain Significance. Advanced modeling of protein sequence and biophysical properties (such as structural, functional, and spatial information, amino acid conservation, physicochemical variation, residue mobility, and thermodynamic stability) performed at Invitae indicates that this missense variant is expected to disrupt IRF6 protein function. This variant has not been reported in the literature in individuals affected with IRF6-related conditions. This variant is not present in population databases (gnomAD no frequency). This sequence change replaces lysine, which is basic and polar, with glutamic acid, which is acidic and polar, at codon 101 of the IRF6 protein (p.Lys101Glu).